The following is an entry in ClinVar:

ClinVar aggregate classification (germline): Uncertain significance (1 of 4 stars; one submission).

gnomAD v4.1: 1 of 1,613,858 alleles (0.000062%); highest among the groups gnomAD compares: Non-Finnish European, 0.000085%; no homozygotes.

Submission:

Labcorp Genetics (formerly Invitae), Labcorp
Classification: Uncertain significance. Last evaluated: 2024-06-10. Review status: criteria provided, single submitter. Criteria: Invitae Variant Classification Sherloc (09022015). Collection method: clinical testing. Allele origin: germline.
Comment: This sequence change replaces alanine, which is neutral and non-polar, with valine, which is neutral and non-polar, at codon 16 of the ACAN protein (p.Ala16Val). This variant is present in population databases (no rsID available, gnomAD 0.0009%). This variant has not been reported in the literature in individuals affected with ACAN-related conditions. Advanced modeling of protein sequence and biophysical properties (such as structural, functional, and spatial information, amino acid conservation, physicochemical variation, residue mobility, and thermodynamic stability) performed at Invitae indicates that this missense variant is not expected to disrupt ACAN protein function with a negative predictive value of 80%. In summary, the available evidence is currently insufficient to determine the role of this variant in disease. Therefore, it has been classified as a Variant of Uncertain Significance.

NM_001369268.1(ACAN):c.47C>T (p.Ala16Val)

Gene: ACAN (aggrecan; plus strand). Cytogenetic location: 15q26.1.
Variant type: single nucleotide variant.
Coding change: c.47C>T on transcript NM_001369268.1 (MANE Select); coding-DNA position 47, C replaced by T.
Protein change: p.Ala16Val; replaces alanine 16 with valine.
Molecular consequence: missense variant.
Genome position (GRCh38, 1-based): chr15:88,836,253, C>T. VCF-style: chr15-88836253-C-T. GRCh37 (hg19) VCF-style: chr15-89379484-C-T.
Other names: c.47C>T, p.Ala16Val (NM_001135.4, NM_001411096.1, NM_001411097.1 and 1 more transcripts); short protein forms A16V.
Identifiers: ClinVar variation 3655650 (VCV003655650.2).